The following is an entry in ClinVar:

ClinVar aggregate classification (germline): Uncertain significance (1 of 4 stars; one submission).

Submission:

Labcorp Genetics (formerly Invitae), Labcorp
Classification: Uncertain significance. Last evaluated: 2024-07-31. Review status: criteria provided, single submitter. Criteria: Invitae Variant Classification Sherloc (09022015). Collection method: clinical testing. Allele origin: germline.
Comment: This variant, c.3266_3274del, results in the deletion of 3 amino acid(s) of the AHDC1 protein (p.Ser1089_Ser1091del), but otherwise preserves the integrity of the reading frame. This variant is not present in population databases (gnomAD no frequency). This variant has not been reported in the literature in individuals affected with AHDC1-related conditions. Experimental studies and prediction algorithms are not available or were not evaluated, and the functional significance of this variant is currently unknown. In summary, the available evidence is currently insufficient to determine the role of this variant in disease. Therefore, it has been classified as a Variant of Uncertain Significance.

NM_001371928.1(AHDC1):c.3254CCT[4] (p.Ser1089_Ser1091del)

Gene: AHDC1 (AT-hook DNA binding motif containing 1; minus strand). Cytogenetic location: 1p36.11.
Variant type: Microsatellite.
Coding change: c.3254CCT[4] on transcript NM_001371928.1 (MANE Select); four copies in a row of the 3-base unit CCT starting at c.3254; the reference has seven copies in a row; three copies, 9 bases deleted.
Protein change: p.Ser1089_Ser1091del.
Genome position (GRCh38, 1-based): chr1:27,548,842-27,548,850, AGGAGGAGG deleted on the plus strand (CCTCCTCCT on the coding strand, the reverse complement: AHDC1 is on the minus strand); deleting any 9 consecutive bases within chr1:27,548,842-27,548,862 gives the same sequence; the position shown is the placement nearest the transcript's 3' end. VCF-style (leftmost placement, unchanged base first): chr1-27548841-AAGGAGGAGG-A. GRCh37 (hg19) VCF-style: chr1-27875352-AAGGAGGAGG-A.
Other names: c.3254CCT[4], p.Ser1089_Ser1091del (NM_001029882.3).
Identifiers: ClinVar variation 3679058 (VCV003679058.2).